The following is an entry in ClinVar:

ClinVar aggregate classification (germline): Pathogenic. Review status: criteria provided, single submitter (1 of 4 stars). 2 submissions from 2 submitters: Pathogenic (1). 1 of the submissions does not count toward it. Last evaluated 2024-06-07.

Conditions:
Mucopolysaccharidosis, MPS-II (MPS2). Also called: Mucopolysaccharidosis with skin involvement; Mucopolysaccharidosis type 2; Mucopolysaccharidosis Type II; SIDS deficiency; IDS deficiency; Sulfoiduronate sulfatase deficiency. Identifiers: Orphanet 580, Orphanet 79388, MedGen C0026705, MONDO:0010674, OMIM 309900.

Submissions (2):

Laboratory of Diagnosis and Therapy of Lysosomal Disorders, University of Padova
Classification: Pathogenic for Mucopolysaccharidosis, MPS-II. Last evaluated: 2024-06-07. Review status: criteria provided, single submitter. Criteria: ACMG Guidelines, 2015. Collection method: literature only. Allele origin: germline. Affected: yes. Observed: 3 variant alleles.
Comment: Absent from controls (or at low frequency) in gnomAD database (PM2_Moderate), Missense change at the same amino acid residue as a pathogenic variant (PM5_Moderate), Missense variant in a gene with a low rate of benign missense variation (PP2_Supporting), Multiple lines of computational evidence support a deleterious effect (PP3_Supporting), Patient’s phenotype or family history highly specific for the disease (PP4_Strong)

Classification method: ACMG Guidelines [PMID:25741868] with modifications

OMIM
Classification: Pathogenic for MUCOPOLYSACCHARIDOSIS, TYPE II. Last evaluated: 1992-07-01. Review status: no assertion criteria provided. Collection method: literature only. Allele origin: germline. Not counted in ClinVar's aggregate classification.

Literature cited by the submitters: PubMed 1639384 (cited by Laboratory of Diagnosis and Therapy of Lysosomal Disorders, University of Padova and OMIM); PubMed 8111411 (cited by Laboratory of Diagnosis and Therapy of Lysosomal Disorders, University of Padova); PubMed 7887413 (cited by Laboratory of Diagnosis and Therapy of Lysosomal Disorders, University of Padova).

NM_000202.8(IDS):c.479C>G (p.Pro160Arg)

Genes: IDS (iduronate 2-sulfatase; minus strand), LOC106050102 (IDS recombination region; plus strand). Cytogenetic location: Xq28.
Variant type: single nucleotide variant.
Coding change: c.479C>G on transcript NM_000202.8 (MANE Select); coding-DNA position 479, C replaced by G.
Protein change: p.Pro160Arg; replaces proline 160 with arginine.
Molecular consequence: missense variant. On other transcripts: non-coding transcript variant (1).
Genome position (GRCh38, 1-based): chrX:149,500,977, G>C on the plus strand (C>G on the coding strand, the complement: IDS is on the minus strand). VCF-style: chrX-149500977-G-C. GRCh37 (hg19) VCF-style: chrX-148582508-G-C.
Other names: c.209C>G, p.Pro70Arg (NM_001166550.4); c.479C>G, p.Pro160Arg (NM_006123.5); short protein forms P160R, P70R.
Identifiers: ClinVar variation 10489 (VCV000010489.3), dbSNP rs104894856, ClinGen allele CA255271.